The following is an entry in ClinVar:

ClinVar aggregate classification (germline): Uncertain significance. Review status: criteria provided, multiple submitters, no conflicts (2 of 4 stars). 2 submissions from 2 submitters: Uncertain significance (2). Last evaluated 2023-12-21.

Allele frequency attached by ClinVar (database versions not stated): gnomAD 0.00001; ExAC 0.00002.

Submissions (2):

Women's Health and Genetics/Laboratory Corporation of America, LabCorp
Classification: Uncertain significance. Last evaluated: 2023-12-21. Review status: criteria provided, single submitter. Criteria: LabCorp Variant Classification Summary - May 2015. Collection method: clinical testing. Allele origin: germline.
Comment: Variant summary: CCDC8 c.1454G>A (p.Arg485His) results in a non-conservative amino acid change in the encoded protein sequence. Three of five in-silico tools predict a benign effect of the variant on protein function. The variant allele was found at a frequency of 4.8e-05 in 251378 control chromosomes (gnomAD). This frequency is not significantly higher than estimated for a pathogenic variant in CCDC8 causing Three M Syndrome 3 (4.8e-05 vs 0.0011), allowing no conclusion about variant significance. To our knowledge, no occurrence of c.1454G>A in individuals affected with Three M Syndrome 3 and no experimental evidence demonstrating its impact on protein function have been reported. One submitter has cited a clinical-significance assessment for this variant to ClinVar after 2014 and has classified the variant as uncertain significance. Based on the evidence outlined above, the variant was classified as uncertain significance.

Labcorp Genetics (formerly Invitae), Labcorp
Classification: Uncertain significance. Last evaluated: 2022-02-15. Review status: criteria provided, single submitter. Criteria: Invitae Variant Classification Sherloc (09022015). Collection method: clinical testing. Allele origin: germline.
Comment: This sequence change replaces arginine, which is basic and polar, with histidine, which is basic and polar, at codon 485 of the CCDC8 protein (p.Arg485His). This variant is present in population databases (rs747693764, gnomAD 0.009%). This variant has not been reported in the literature in individuals affected with CCDC8-related conditions. Algorithms developed to predict the effect of missense changes on protein structure and function are either unavailable or do not agree on the potential impact of this missense change (SIFT: "Deleterious"; PolyPhen-2: "Probably Damaging"; Align-GVGD: "Class C0"). In summary, the available evidence is currently insufficient to determine the role of this variant in disease. Therefore, it has been classified as a Variant of Uncertain Significance.

NM_032040.5(CCDC8):c.1454G>A (p.Arg485His)

Gene: CCDC8 (coiled-coil domain containing 8; minus strand). Cytogenetic location: 19q13.32.
Variant type: single nucleotide variant.
Coding change: c.1454G>A on transcript NM_032040.5 (MANE Select); coding-DNA position 1454, G replaced by A.
Protein change: p.Arg485His; replaces arginine 485 with histidine.
Molecular consequence: missense variant.
Genome position (GRCh38, 1-based): chr19:46,411,357, C>T on the plus strand (G>A on the coding strand, the complement: CCDC8 is on the minus strand). VCF-style: chr19-46411357-C-T. GRCh37 (hg19) VCF-style: chr19-46914614-C-T.
Other names: short protein forms R485H.
Identifiers: ClinVar variation 2194442 (VCV002194442.2), dbSNP rs747693764, ClinGen allele CA9528482.